The following is an entry in ClinVar:

ClinVar aggregate classification (germline): Uncertain significance (1 of 4 stars; one submission).

Submission:

Labcorp Genetics (formerly Invitae), Labcorp
Classification: Uncertain significance. Last evaluated: 2024-10-14. Review status: criteria provided, single submitter. Criteria: Invitae Variant Classification Sherloc (09022015). Collection method: clinical testing. Allele origin: germline.
Comment: This variant, c.5404_5406del, results in the deletion of 1 amino acid(s) of the MYH7B protein (p.Glu1802del), but otherwise preserves the integrity of the reading frame. This variant is present in population databases (rs746194825, gnomAD 0.02%). This variant has not been reported in the literature in individuals affected with MYH7B-related conditions. Experimental studies and prediction algorithms are not available or were not evaluated, and the functional significance of this variant is currently unknown. In summary, the available evidence is currently insufficient to determine the role of this variant in disease. Therefore, it has been classified as a Variant of Uncertain Significance.

NM_020884.7(MYH7B):c.5275GAG[1] (p.Glu1760del)

Gene: MYH7B (myosin heavy chain 7B; plus strand). Cytogenetic location: 20q11.22.
Variant type: Microsatellite.
Coding change: c.5275GAG[1] on transcript NM_020884.7 (MANE Select); one copy of the 3-base unit GAG starting at c.5275; the reference has two copies in a row; one copy, 3 bases deleted.
Protein change: p.Glu1760del; deletes glutamic acid 1760.
Molecular consequence: inframe deletion.
Genome position (GRCh38, 1-based): chr20:35,000,867-35,000,869, GAG deleted; deleting any 3 consecutive bases within chr20:35,000,864-35,000,869 gives the same sequence; the position shown is the placement nearest the transcript's 3' end. VCF-style (leftmost placement, unchanged base first): chr20-35000863-TGAG-T. GRCh37 (hg19) VCF-style: chr20-33588666-TGAG-T.
Other names: short protein forms E1760del.
Identifiers: ClinVar variation 2161652 (VCV002161652.4), dbSNP rs746194825, ClinGen allele CA9828482.